The following is an entry in ClinVar:

NM_001614.5(ACTG1):c.51C>T (p.Cys17=)

Genes: ACTG1 (actin gamma 1; minus strand), LOC130061940 (ATAC-STARR-seq lymphoblastoid active region 12964; plus strand). Cytogenetic location: 17q25.3.
Variant type: single nucleotide variant.
Coding change: c.51C>T on transcript NM_001614.5 (MANE Select); coding-DNA position 51, C replaced by T.
Protein change: p.Cys17=; no amino-acid change (cysteine 17 retained).
Molecular consequence: synonymous variant. On other transcripts: non-coding transcript variant (1).
Genome position (GRCh38, 1-based): chr17:81,512,304, G>A on the plus strand (C>T on the coding strand, the complement: ACTG1 is on the minus strand). VCF-style: chr17-81512304-G-A. GRCh37 (hg19) VCF-style: chr17-79479330-G-A.
Other names: c.51C>T, p.Cys17= (NM_001199954.3).
Identifiers: ClinVar variation 227168 (VCV000227168.10), dbSNP rs201570725, ClinGen allele CA8836411.

ClinVar aggregate classification (germline): Benign/Likely benign. Review status: criteria provided, multiple submitters, no conflicts (2 of 4 stars). 4 submissions from 4 submitters: Benign (1); Likely benign (3). Last evaluated 2026-06-01.

Conditions:
Autosomal dominant nonsyndromic hearing loss 20. Identifiers: Orphanet 90635, MedGen C1858172, MONDO:0011480, OMIM 604717.
Baraitser-winter syndrome 2. Identifiers: Orphanet 2995, MedGen C3281235, MONDO:0013812, OMIM 614583.

Allele frequency attached by ClinVar (database versions not stated): gnomAD 0.00002; gnomAD exomes 0.00002 and 0.00009; TOPMed 0.00003; ExAC 0.00007; 1000 Genomes Project 30x 0.00016; 1000 Genomes Project 0.00020.

Submissions (4):

CeGaT Center for Human Genetics Tuebingen
Classification: Likely benign. Last evaluated: 2026-06-01. Review status: criteria provided, single submitter. Criteria: CeGaT Center For Human Genetics Tuebingen Variant Classification Criteria Version 2. Collection method: clinical testing. Allele origin: germline. Affected: yes. Observed: 1 variant allele.
Comment: ACTG1: BP4, BP7

Labcorp Genetics (formerly Invitae), Labcorp
Classification: Benign for Baraitser-winter syndrome 2; Autosomal dominant nonsyndromic hearing loss 20. Last evaluated: 2025-10-23. Review status: criteria provided, single submitter. Criteria: Invitae Variant Classification Sherloc (09022015). Collection method: clinical testing. Allele origin: germline.

Blueprint Genetics
Classification: Likely benign. Last evaluated: 2020-10-21. Review status: criteria provided, single submitter. Criteria: ACMG Guidelines, 2015. Collection method: clinical testing. Allele origin: germline.

Laboratory for Molecular Medicine, Mass General Brigham Personalized Medicine
Classification: Likely benign. Last evaluated: 2015-05-27. Review status: criteria provided, single submitter. Criteria: LMM Criteria. Collection method: clinical testing. Allele origin: germline. Observed: 1 variant allele.
Comment: p.Cys17Cys in exon 2 of ACTG1: This variant is not expected to have clinical sig nificance because it does not alter an amino acid residue and is not located wit hin the splice consensus sequence. It has been identified in 5/8644 East Asian c hromosomes by the Exome Aggregation Consortium (ExAC .org; dbSNP rs201570725).